The following is an entry in ClinVar:

ClinVar aggregate classification (germline): Conflicting classifications of pathogenicity. Review status: criteria provided, conflicting classifications (1 of 4 stars). 3 submissions from 3 submitters: Uncertain significance (2); Likely benign (1). Last evaluated 2025-03-25.

Conditions:
DYNC1H1-related disorder. Also called: DYNC1H1-related condition; DYNC1H1-related disorders. Identifiers: MedGen CN381529.
Charcot-Marie-Tooth disease axonal type 2O. Also called: Charcot-Marie-Tooth disease, axonal, type 20; Charcot-Marie-Tooth Neuropathy Type 2O; CHARCOT-MARIE-TOOTH NEUROPATHY, AXONAL, TYPE 2O; CHARCOT-MARIE-TOOTH DISEASE, AXONAL, AUTOSOMAL DOMINANT, TYPE 2O. Identifiers: Orphanet 284232, MedGen C3280220, MONDO:0013644, OMIM 614228.

Allele frequency attached by ClinVar (database versions not stated): gnomAD 0.00001 and 0.00003; gnomAD exomes 0.00001 and 0.00002; TOPMed 0.00003.
gnomAD v4.1: 24 of 1,614,090 alleles (0.0015%); highest among the groups gnomAD compares: East Asian, 0.0045%; no homozygotes.

Submissions (3):

PreventionGenetics, part of Exact Sciences
Classification: Uncertain significance for DYNC1H1-related condition. Last evaluated: 2025-03-25. Review status: criteria provided, single submitter. Criteria: ACMG Guidelines, 2015. Collection method: clinical testing. Allele origin: germline.
Comment: The DYNC1H1 c.7148G>A variant is predicted to result in the amino acid substitution p.Arg2383His. To our knowledge, this variant has not been reported in the literature. This variant is reported in 0.010% of alleles in individuals of East Asian descent in gnomAD. Although we suspect that this variant may be benign, at this time, the clinical significance of this variant is uncertain due to the absence of conclusive functional and genetic evidence.

Labcorp Genetics (formerly Invitae), Labcorp
Classification: Likely benign for Charcot-Marie-Tooth disease axonal type 2O. Last evaluated: 2022-11-12. Review status: criteria provided, single submitter. Criteria: Invitae Variant Classification Sherloc (09022015). Collection method: clinical testing. Allele origin: germline.

GeneDx
Classification: Uncertain significance. Last evaluated: 2022-04-13. Review status: criteria provided, single submitter. Criteria: GeneDx Variant Classification Process June 2021. Collection method: clinical testing. Allele origin: germline. Affected: yes.
Comment: In silico analysis supports that this missense variant has a deleterious effect on protein structure/function; Has not been previously published as pathogenic or benign to our knowledge; This variant is associated with the following publications: (PMID: 26100331, 25512093, 25609763)

NM_001376.5(DYNC1H1):c.7148G>A (p.Arg2383His)

Gene: DYNC1H1 (dynein cytoplasmic 1 heavy chain 1; plus strand). Cytogenetic location: 14q32.31.
Variant type: single nucleotide variant.
Coding change: c.7148G>A on transcript NM_001376.5 (MANE Select); coding-DNA position 7148, G replaced by A.
Protein change: p.Arg2383His; replaces arginine 2383 with histidine.
Molecular consequence: missense variant.
Genome position (GRCh38, 1-based): chr14:102,015,238, G>A. VCF-style: chr14-102015238-G-A. GRCh37 (hg19) VCF-style: chr14-102481575-G-A.
Other names: short protein forms R2383H.
Identifiers: ClinVar variation 408974 (VCV000408974.14), dbSNP rs1028991666, ClinGen allele CA16614345.